The following is an entry in ClinVar:

ClinVar aggregate classification (germline): Uncertain significance. Review status: criteria provided, multiple submitters, no conflicts (2 of 4 stars). 3 submissions from 3 submitters: Uncertain significance (3). Last evaluated 2025-07-13.

Conditions:
Intellectual disability, autosomal dominant 16 (CSS4). Also called: COFFIN-SIRIS SYNDROME 4. Identifiers: Orphanet 1465, MedGen C3553249, MONDO:0013821, OMIM 614609.
Rhabdoid tumor predisposition syndrome 2 (RTPS2). Identifiers: Orphanet 231108, Orphanet 69077, MedGen C2750074, MONDO:0013224, OMIM 613325.
Hereditary cancer-predisposing syndrome. Also called: Hereditary neoplastic syndrome; Neoplastic Syndromes, Hereditary; Tumor predisposition; Hereditary Cancer Syndrome. Identifiers: Orphanet 140162, MedGen C0027672, MeSH D009386, MONDO:0015356.

Submissions (3):

Labcorp Genetics (formerly Invitae), Labcorp
Classification: Uncertain significance for Rhabdoid tumor predisposition syndrome 2. Last evaluated: 2025-07-13. Review status: criteria provided, single submitter. Criteria: Invitae Variant Classification Sherloc (09022015). Collection method: clinical testing. Allele origin: germline.
Comment: This sequence change replaces leucine, which is neutral and non-polar, with valine, which is neutral and non-polar, at codon 1290 of the SMARCA4 protein (p.Leu1290Val). This variant is not present in population databases (gnomAD no frequency). This variant has not been reported in the literature in individuals affected with SMARCA4-related conditions. ClinVar contains an entry for this variant (Variation ID: 470370). An algorithm developed to predict the effect of missense changes on protein structure and function (PolyPhen-2) suggests that this variant is likely to be tolerated. In summary, the available evidence is currently insufficient to determine the role of this variant in disease. Therefore, it has been classified as a Variant of Uncertain Significance.

Ambry Genetics
Classification: Uncertain significance for Hereditary cancer-predisposing syndrome. Last evaluated: 2024-11-26. Review status: criteria provided, single submitter. Criteria: Ambry Variant Classification Scheme 2023. Collection method: clinical testing. Allele origin: germline.
Comment: The p.L1290V variant (also known as c.3868C>G), located in coding exon 26 of the SMARCA4 gene, results from a C to G substitution at nucleotide position 3868. The leucine at codon 1290 is replaced by valine, an amino acid with highly similar properties. This amino acid position is highly conserved in available vertebrate species. In addition, this alteration is predicted to be tolerated by in silico analysis. This variant was detected in multiple individuals with no reported features of Coffin-Siris syndrome (Ambry internal data). Based on the supporting evidence, the association of this alteration with rhabdoid tumor predisposition syndrome is unknown; however, the association of this alteration with Coffin-Siris syndrome is unlikely.

Genome-Nilou Lab
Classification: Uncertain significance for Intellectual disability, autosomal dominant 16. Last evaluated: 2021-07-15. Review status: criteria provided, single submitter. Criteria: ACMG Guidelines, 2015. Collection method: clinical testing. Allele origin: germline. Affected: no.

NM_003072.5(SMARCA4):c.3868C>G (p.Leu1290Val)

Gene: SMARCA4 (SWI/SNF related BAF chromatin remodeling complex subunit ATPase 4; plus strand). Cytogenetic location: 19p13.2.
Variant type: single nucleotide variant.
Coding change: c.3868C>G on transcript NM_003072.5 (MANE Select); coding-DNA position 3868, C replaced by G.
Protein change: p.Leu1290Val; replaces leucine 1290 with valine.
Molecular consequence: missense variant. On other transcripts: intron variant (5).
Genome position (GRCh38, 1-based): chr19:11,033,860, C>G. VCF-style: chr19-11033860-C-G. GRCh37 (hg19) VCF-style: chr19-11144536-C-G.
Other names: c.3868C>G, p.Leu1290Val (NM_001128844.3, NM_001128849.3, NM_001387283.1); c.3775-263C>G (NM_001128847.4, NM_001374457.1, NM_001128845.2 and 2 more transcripts); short protein forms L1290V.
Identifiers: ClinVar variation 470370 (VCV000470370.16), dbSNP rs1555784851, ClinGen allele CA404066864.